The following is an entry in ClinVar:

NM_015330.6(SPECC1L):c.2926C>G (p.Leu976Val)

Genes: SPECC1L (sperm antigen with calponin homology and coiled-coil domains 1 like; plus strand), SPECC1L-ADORA2A (SPECC1L-ADORA2A readthrough (NMD candidate); plus strand). Cytogenetic location: 22q11.23.
Variant type: single nucleotide variant.
Coding change: c.2926C>G on transcript NM_015330.6 (MANE Select); coding-DNA position 2926, C replaced by G.
Protein change: p.Leu976Val; replaces leucine 976 with valine.
Molecular consequence: missense variant. On other transcripts: non-coding transcript variant (1).
Genome position (GRCh38, 1-based): chr22:24,365,574, C>G. VCF-style: chr22-24365574-C-G. GRCh37 (hg19) VCF-style: chr22-24761542-C-G.
Other names: c.2926C>G, p.Leu976Val (NM_001145468.4, NM_001254732.3); c.124C>G, p.Leu42Val (NM_001254733.2); short protein forms L42V, L976V.
Identifiers: ClinVar variation 2633807 (VCV002633807.1), dbSNP rs1178766585, ClinGen allele CA410961198.

ClinVar aggregate classification (germline): Uncertain significance (1 of 4 stars; one submission).

Conditions:
SPECC1L-related disorder. Also called: SPECC1L-related condition.

Allele frequency attached by ClinVar (database versions not stated): TOPMed below 0.00001; gnomAD 0.00001.
gnomAD v4.1: 1 of 1,614,070 alleles (0.000062%); highest among the groups gnomAD compares: African/African-American, 0.0013%; no homozygotes.

Submission:

PreventionGenetics, part of Exact Sciences
Classification: Uncertain significance for SPECC1L-related condition. Last evaluated: 2023-04-20. Review status: criteria provided, single submitter. Criteria: ACMG Guidelines, 2015. Collection method: clinical testing. Allele origin: germline.
Comment: The SPECC1L c.2926C>G variant is predicted to result in the amino acid substitution p.Leu976Val. To our knowledge, this variant has not been reported in the literature. This variant is reported in 0.011% of alleles in individuals of African descent in gnomAD. At this time, the clinical significance of this variant is uncertain due to the absence of conclusive functional and genetic evidence.